The following is an entry in ClinVar:

NM_000501.4(ELN):c.1150+188C>T

Gene: ELN (elastin; plus strand). Cytogenetic location: 7q11.23.
Variant type: single nucleotide variant.
Coding change: c.1150+188C>T on transcript NM_000501.4 (MANE Select); 188 bases into the intron after coding-DNA position 1150, C replaced by T.
Molecular consequence: intron variant.
Genome position (GRCh38, 1-based): chr7:74,054,957, C>T. VCF-style: chr7-74054957-C-T. GRCh37 (hg19) VCF-style: chr7-73469287-C-T.
Other names: NC_000007.13:g.73469287C>T; c.1165+188C>T (NM_001081754.3, NM_001081753.3); c.1150+188C>T (NM_001278939.2, NM_001278915.2, NM_001278912.2 and 1 more transcripts); c.1108+188C>T (NM_001278916.2); c.1042+188C>T (NM_001278913.2); c.1135+188C>T (NM_001278914.2); c.1120+188C>T (NM_001278917.2, NM_001081752.3); c.1018+188C>T (NM_001278918.2).
Identifiers: ClinVar variation 674693 (VCV000674693.2), dbSNP rs148846464, ClinGen allele CA367881575.

ClinVar aggregate classification (germline): Likely benign (1 of 4 stars; one submission).

Allele frequency attached by ClinVar (database versions not stated): 1000 Genomes Project 0.00679; TOPMed 0.01140.
gnomAD v4.1: 1,753 of 152,368 alleles (1.2%); highest among the groups gnomAD compares: Non-Finnish European, 1.9%; 18 homozygotes.

Submissions (3):

GeneDx
Classification: Likely benign. Last evaluated: 2018-06-14. Review status: criteria provided, single submitter. Criteria: GeneDx Variant Classification (06012015). Collection method: clinical testing. Allele origin: germline. Affected: yes.
Comment: This variant is considered likely benign or benign based on one or more of the following criteria: it is a conservative change, it occurs at a poorly conserved position in the protein, it is predicted to be benign by multiple in silico algorithms, and/or has population frequency not consistent with disease.

Dr. Peter K. Rogan Lab, Western University
No classification provided (evidence only). Condition: Uterine corpus endometrial carcinoma. Review status: no classification provided. Collection method: in vitro. Allele origin: not applicable. Functional consequence: retained intron. Not counted in ClinVar's aggregate classification.

Dr. Peter K. Rogan Lab, Western University
No classification provided (evidence only). Condition: Uterine carcinosarcoma. Review status: no classification provided. Collection method: in vitro. Allele origin: not applicable. Functional consequence: skipped exon, retained intron. Not counted in ClinVar's aggregate classification.